The following is an entry in ClinVar:

ClinVar aggregate classification (germline): Uncertain significance. Review status: criteria provided, multiple submitters, no conflicts (2 of 4 stars). 2 submissions from 2 submitters: Uncertain significance (2). Last evaluated 2025-11-12.

Conditions:
Hereditary cancer-predisposing syndrome. Also called: Neoplastic Syndromes, Hereditary; Hereditary Cancer Syndrome; Tumor predisposition; Hereditary neoplastic syndrome. Identifiers: Orphanet 140162, MedGen C0027672, MeSH D009386, MONDO:0015356.
Gorlin syndrome. Also called: Nevoid Basal Cell Carcinoma Syndrome; Basal cell nevus syndrome. Identifiers: Orphanet 377, MedGen C0004779, MONDO:0007187.

Submissions (2):

Labcorp Genetics (formerly Invitae), Labcorp
Classification: Uncertain significance for Gorlin syndrome. Last evaluated: 2025-11-12. Review status: criteria provided, single submitter. Criteria: Invitae Variant Classification Sherloc (09022015). Collection method: clinical testing. Allele origin: germline.
Comment: This sequence change replaces glutamic acid, which is acidic and polar, with lysine, which is basic and polar, at codon 1237 of the PTCH1 protein (p.Glu1237Lys). This variant is not present in population databases (gnomAD no frequency). This variant has not been reported in the literature in individuals affected with PTCH1-related conditions. ClinVar contains an entry for this variant (Variation ID: 2564367). Invitae Evidence Modeling of protein sequence and biophysical properties (such as structural, functional, and spatial information, amino acid conservation, physicochemical variation, residue mobility, and thermodynamic stability) has been performed for this missense variant. However, the output from this modeling did not meet the statistical confidence thresholds required to predict the impact of this variant on PTCH1 protein function. In summary, the available evidence is currently insufficient to determine the role of this variant in disease. Therefore, it has been classified as a Variant of Uncertain Significance.

Ambry Genetics
Classification: Uncertain significance for Hereditary cancer-predisposing syndrome. Last evaluated: 2025-07-29. Review status: criteria provided, single submitter. Criteria: Ambry Variant Classification Scheme 2023. Collection method: clinical testing. Allele origin: germline.
Comment: The p.E1237K variant (also known as c.3709G>A), located in coding exon 22 of the PTCH1 gene, results from a G to A substitution at nucleotide position 3709. The glutamic acid at codon 1237 is replaced by lysine, an amino acid with similar properties. This variant was identified in a cohort of 681 ancestrally diverse, healthy subjects (Bodian DL et al. PLoS One, 2014 Apr;9:e94554). This amino acid position is highly conserved in available vertebrate species. In addition, this alteration is predicted to be deleterious by in silico analysis. Since supporting evidence is limited at this time, the clinical significance of this alteration remains unclear.

Literature cited by the submitters: PubMed 24728327 (cited by Ambry Genetics).

NM_000264.5(PTCH1):c.3709G>A (p.Glu1237Lys)

Gene: PTCH1 (patched 1; minus strand). Cytogenetic location: 9q22.32.
Variant type: single nucleotide variant.
Coding change: c.3709G>A on transcript NM_000264.5 (MANE Select); coding-DNA position 3709, G replaced by A.
Protein change: p.Glu1237Lys; replaces glutamic acid 1237 with lysine.
Molecular consequence: missense variant. On other transcripts: non-coding transcript variant (1).
Genome position (GRCh38, 1-based): chr9:95,449,164, C>T on the plus strand (G>A on the coding strand, the complement: PTCH1 is on the minus strand). VCF-style: chr9-95449164-C-T. GRCh37 (hg19) VCF-style: chr9-98211446-C-T.
Other names: c.3256G>A, p.Glu1086Lys (NM_001083607.3, NM_001083604.3, NM_001083605.3 and 1 more transcripts); c.3553G>A, p.Glu1185Lys (NM_001354918.2); c.3511G>A, p.Glu1171Lys (NM_001083602.3); c.3706G>A, p.Glu1236Lys (NM_001083603.3); short protein forms E1086K, E1236K, E1237K, E1171K, E1185K.
Identifiers: ClinVar variation 2564367 (VCV002564367.4), dbSNP rs2538013835, ClinGen allele CA374111096.
Genomic context (GRCh38, chr9:95,449,164, plus strand): 5'-CCACGATCACTTGGTGGGCAGGGCCTCCCGCGCCCTGCTGGGCCTCGTAGTGCCGAAGCT[C>T]CTCGCTGAGGCCTGACACTGTCGTCTGGGAACTATACTCCGAGTCGGAGGAATCAGACCC-3'
Protein context (NP_000255.2, residues 1227-1247): SQTTVSGLSE[Glu1237Lys]LRHYEAQQGA